The following is an entry in ClinVar:

NM_001868.4(CPA1):c.520A>G (p.Ile174Val)

Gene: CPA1 (carboxypeptidase A1; plus strand). Cytogenetic location: 7q32.2.
Variant type: single nucleotide variant.
Coding change: c.520A>G on transcript NM_001868.4 (MANE Select); coding-DNA position 520, A replaced by G.
Protein change: p.Ile174Val; replaces isoleucine 174 with valine.
Molecular consequence: missense variant.
Genome position (GRCh38, 1-based): chr7:130,383,427, A>G. VCF-style: chr7-130383427-A-G. GRCh37 (hg19) VCF-style: chr7-130023268-A-G.
Other names: short protein forms I174V.
Identifiers: ClinVar variation 4233077 (VCV004233077.1).
Genomic context (GRCh38, chr7:130,383,427, plus strand): 5'-ATCACTCCCCTGCCTCCTCTCCAGTTCAGCACGGGGGGCAGTAAGCGTCCAGCCATCTGG[A>G]TCGACACGGGCATCCATTCCCGGGAGTGGGTCACCCAGGCCAGTGGGGTCTGGTTTGCAA-3'
Protein context (NP_001859.1, residues 164-184): TGGSKRPAIW[Ile174Val]DTGIHSREWV

ClinVar aggregate classification (germline): Uncertain significance (1 of 4 stars; one submission).

Conditions:
Hereditary pancreatitis (PCTT). Also called: Hereditary chronic pancreatitis; PRSS1-Related Hereditary Pancreatitis. Identifiers: Orphanet 676, MedGen C0238339, MONDO:0008185, OMIM 167800.

gnomAD v4.1: 1 of 1,614,198 alleles (0.000062%); highest among the groups gnomAD compares: Admixed American, 0.0017%; no homozygotes.

Submission:

Ambry Genetics
Classification: Uncertain significance for Hereditary pancreatitis. Last evaluated: 2025-06-20. Review status: criteria provided, single submitter. Criteria: Ambry Variant Classification Scheme 2023. Collection method: clinical testing. Allele origin: germline.
Comment: The p.I174V variant (also known as c.520A>G), located in coding exon 5 of the CPA1 gene, results from an A to G substitution at nucleotide position 520. The isoleucine at codon 174 is replaced by valine, an amino acid with highly similar properties. This amino acid position is conserved. In addition, this alteration is predicted to be tolerated by in silico analysis. Based on the available evidence, the clinical significance of this variant remains unclear.